The following is an entry in ClinVar:

ClinVar aggregate classification (germline): Uncertain significance (1 of 4 stars; one submission).

Conditions:
Dyskeratosis congenita, autosomal dominant 6 (DKCA6). Identifiers: Orphanet 3322, MedGen C4225284, MONDO:0014690, OMIM 616553.

Submission:

Labcorp Genetics (formerly Invitae), Labcorp
Classification: Uncertain significance for Dyskeratosis congenita, autosomal dominant 6. Last evaluated: 2023-02-02. Review status: criteria provided, single submitter. Criteria: Invitae Variant Classification Sherloc (09022015). Collection method: clinical testing. Allele origin: germline.
Comment: This sequence change replaces glycine, which is neutral and non-polar, with arginine, which is basic and polar, at codon 188 of the ACD protein (p.Gly188Arg). This variant is not present in population databases (gnomAD no frequency). This variant has not been reported in the literature in individuals affected with ACD-related conditions. Advanced modeling of protein sequence and biophysical properties (such as structural, functional, and spatial information, amino acid conservation, physicochemical variation, residue mobility, and thermodynamic stability) performed at Invitae indicates that this missense variant is not expected to disrupt ACD protein function. In summary, the available evidence is currently insufficient to determine the role of this variant in disease. Therefore, it has been classified as a Variant of Uncertain Significance.

NM_001082486.2(ACD):c.304G>C (p.Gly102Arg)

Gene: ACD (ACD shelterin complex subunit and telomerase recruitment factor; minus strand). Cytogenetic location: 16q22.1.
Variant type: single nucleotide variant.
Coding change: c.304G>C on transcript NM_001082486.2 (MANE Select); coding-DNA position 304, G replaced by C.
Protein change: p.Gly102Arg; replaces glycine 102 with arginine.
Molecular consequence: missense variant.
Genome position (GRCh38, 1-based): chr16:67,659,734, C>G on the plus strand (G>C on the coding strand, the complement: ACD is on the minus strand). VCF-style: chr16-67659734-C-G. GRCh37 (hg19) VCF-style: chr16-67693637-C-G.
Other names: c.304G>C, p.Gly102Arg (NM_001410884.1); c.295G>C, p.Gly99Arg (NM_022914.3); short protein forms G99R, G102R.
Identifiers: ClinVar variation 2082992 (VCV002082992.4), dbSNP rs2543609028, ClinGen allele CA396355890.